The following is an entry in ClinVar:

ClinVar aggregate classification (germline): Uncertain significance (1 of 4 stars; one submission).

Conditions:
Hereditary cancer-predisposing syndrome. Also called: Tumor predisposition; Neoplastic Syndromes, Hereditary; Hereditary neoplastic syndrome; Hereditary Cancer Syndrome. Identifiers: Orphanet 140162, MedGen C0027672, MeSH D009386, MONDO:0015356.

Submission:

Ambry Genetics
Classification: Uncertain significance for Hereditary cancer-predisposing syndrome. Last evaluated: 2024-08-07. Review status: criteria provided, single submitter. Criteria: Ambry Variant Classification Scheme 2023. Collection method: clinical testing. Allele origin: germline.
Comment: The p.E71A variant (also known as c.212A>C), located in coding exon 3 of the ATM gene, results from an A to C substitution at nucleotide position 212. The glutamic acid at codon 71 is replaced by alanine, an amino acid with dissimilar properties. This amino acid position is conserved. In addition, this alteration is predicted to be deleterious by in silico analysis. Based on the available evidence, the clinical significance of this variant remains unclear.

NM_000051.4(ATM):c.212A>C (p.Glu71Ala)

Gene: ATM (ATM serine/threonine kinase; plus strand). Cytogenetic location: 11q22.3.
Variant type: single nucleotide variant.
Coding change: c.212A>C on transcript NM_000051.4 (MANE Select); coding-DNA position 212, A replaced by C.
Protein change: p.Glu71Ala; replaces glutamic acid 71 with alanine.
Molecular consequence: missense variant.
Genome position (GRCh38, 1-based): chr11:108,229,204, A>C. VCF-style: chr11-108229204-A-C. GRCh37 (hg19) VCF-style: chr11-108099931-A-C.
Other names: c.212A>C, p.Glu71Ala (NM_001351834.2, NM_001351835.2, NM_001351836.2); short protein forms E71A.
Identifiers: ClinVar variation 3450553 (VCV003450553.1).
Genomic context (GRCh38, chr11:108,229,204, plus strand): 5'-CGAGTTTCTGAAATTGCATTTTGTTTTCTTGAAGATTTTTACAGAAATATATTCAGAAAG[A>C]AACAGAATGTCTGAGAATAGCAAAACCAAATGTATCAGCCTCAACACAAGCCTCCAGGCA-3'
Protein context (NP_000042.3, residues 61-81): FRFLQKYIQK[Glu71Ala]TECLRIAKPN